The following is an entry in ClinVar:

ClinVar aggregate classification (germline): Uncertain significance. Review status: criteria provided, multiple submitters, no conflicts (2 of 4 stars). 2 submissions from 2 submitters: Uncertain significance (2). Last evaluated 2023-06-27.

Conditions:
Paroxysmal nonkinesigenic dyskinesia. Also called: Paroxysmal non-kinesigenic dyskinesia. Identifiers: Orphanet 98810, MedGen C1869117, MONDO:0700088.
Paroxysmal nonkinesigenic dyskinesia 1 (PNKD1). Also called: PxMD-PNKD; MOUNT-REBACK SYNDROME; PAROXYSMAL DYSTONIC CHOREOATHETOSIS; Familial Paroxysmal Nonkinesigenic Dyskinesia; Nonkinesigenic choreoathetosis; Familial paroxysmal choreoathetosis. Identifiers: Orphanet 98810, MedGen C4551506, MONDO:0700089, OMIM 118800, MONDO:0007326.

Submissions (2):

Labcorp Genetics (formerly Invitae), Labcorp
Classification: Uncertain significance for Paroxysmal nonkinesigenic dyskinesia. Last evaluated: 2023-06-27. Review status: criteria provided, single submitter. Criteria: Invitae Variant Classification Sherloc (09022015). Collection method: clinical testing. Allele origin: germline.
Comment: ClinVar contains an entry for this variant (Variation ID: 895493). This sequence change replaces proline, which is neutral and non-polar, with leucine, which is neutral and non-polar, at codon 123 of the PNKD protein (p.Pro123Leu). This variant is not present in population databases (gnomAD no frequency). This variant has not been reported in the literature in individuals affected with PNKD-related conditions. Advanced modeling of protein sequence and biophysical properties (such as structural, functional, and spatial information, amino acid conservation, physicochemical variation, residue mobility, and thermodynamic stability) performed at Invitae indicates that this missense variant is not expected to disrupt PNKD protein function. Algorithms developed to predict the effect of sequence changes on RNA splicing suggest that this variant may create or strengthen a splice site. In summary, the available evidence is currently insufficient to determine the role of this variant in disease. Therefore, it has been classified as a Variant of Uncertain Significance.

Illumina Laboratory Services, Illumina
Classification: Uncertain significance for Paroxysmal nonkinesigenic dyskinesia 1. Last evaluated: 2018-01-12. Review status: criteria provided, single submitter. Criteria: ICSL Variant Classification Criteria 13 December 2019. Collection method: clinical testing. Allele origin: germline.

NM_015488.5(PNKD):c.368C>T (p.Pro123Leu)

Genes: CATIP-AS2 (CATIP antisense RNA 2; minus strand), PNKD (PNKD metallo-beta-lactamase domain containing; plus strand). Cytogenetic location: 2q35.
Variant type: single nucleotide variant.
Coding change: c.368C>T on transcript NM_015488.5 (MANE Select); coding-DNA position 368, C replaced by T.
Protein change: p.Pro123Leu; replaces proline 123 with leucine.
Molecular consequence: missense variant.
Genome position (GRCh38, 1-based): chr2:218,340,044, C>T. VCF-style: chr2-218340044-C-T. GRCh37 (hg19) VCF-style: chr2-219204767-C-T.
Other names: c.296C>T, p.Pro99Leu (NM_022572.5); short protein forms P99L, P123L.
Identifiers: ClinVar variation 895493 (VCV000895493.7), dbSNP rs1694626257, ClinGen allele CA350538389.